The following is an entry in ClinVar:

NC_000002.12:g.(?_214728676)_(214809569_?)dup

Gene: BARD1 (BRCA1 associated RING domain 1; minus strand). Cytogenetic location: 2q35.
Variant type: Duplication.
Identifiers: ClinVar variation 830719 (VCV000830719.3).

ClinVar aggregate classification (germline): Uncertain significance (1 of 4 stars; one submission).

Conditions:
Familial cancer of breast. Also called: BREAST CANCER, FAMILIAL; Hereditary breast cancer; hereditary breast carcinoma. Identifiers: Orphanet 227535, MedGen C0346153, MONDO:0016419, OMIM 114480. Disease mechanism: loss of function.

Submission:

Labcorp Genetics (formerly Invitae), Labcorp
Classification: Uncertain significance for Hereditary Breast Carcinoma. Last evaluated: 2019-12-26. Review status: criteria provided, single submitter. Criteria: Invitae Variant Classification Sherloc (09022015). Collection method: clinical testing. Allele origin: germline.
Comment: This variant results in a copy number gain of the genomic region encompassing the full coding sequence of the BARD1 gene. The boundaries of this event are unknown as they extend beyond the assayed region for this gene and therefore may encompass additional genes. As the precise location of this event is unknown, it may be in tandem or it may be located elsewhere in the genome. This variant has not been reported in the literature in individuals with BARD1-related conditions. Experimental studies and prediction algorithms are not available or were not evaluated, and the functional significance of this variant is currently unknown. In summary, the available evidence is currently insufficient to determine the role of this variant in disease. Therefore, it has been classified as a Variant of Uncertain Significance.